The following is an entry in ClinVar:

ClinVar aggregate classification (germline): Uncertain significance (1 of 4 stars; one submission).

Conditions:
Intellectual developmental disorder with speech delay, autism, and dysmorphic facies. Identifiers: MedGen C5231456, MONDO:0032864, OMIM 618672.

Submission:

3billion
Classification: Uncertain significance for Intellectual developmental disorder with speech delay, autism, and dysmorphic facies. Last evaluated: 2022-05-22. Review status: criteria provided, single submitter. Criteria: ACMG Guidelines, 2015. Collection method: clinical testing. Allele origin: germline. Affected: yes. Observed: 1 heterozygote.
Comment: The variant is not observed in the gnomAD v2.1.1 dataset. Inframe insertion located in a nonrepeat region: predicted to change the length of the protein and disrupt normal protein function. Therefore, this variant is classified as uncertain significanceaccording to the recommendation of ACMG/AMP guideline.

NM_014516.4(CNOT3):c.734GCCACA[3] (p.245SH[3])

Gene: CNOT3 (CCR4-NOT transcription complex subunit 3; plus strand). Cytogenetic location: 19q13.42.
Variant type: Microsatellite.
Coding change: c.734GCCACA[3] on transcript NM_014516.4 (MANE Select); three copies in a row of the 6-base unit GCCACA starting at c.734; the reference has two copies in a row; one copy, 6 bases duplicated; also written c.740_745dup.
Protein change: p.245SH[3].
Molecular consequence: inframe insertion.
Genome position (GRCh38, 1-based): chr19:54,145,946-54,145,951, GCCACA duplicated; duplicating any 6 consecutive bases within chr19:54,145,938-54,145,951 gives the same sequence; the position shown is the placement nearest the transcript's 3' end. VCF-style (leftmost placement, unchanged base first): chr19-54145937-C-CCAGCCA. GRCh37 (hg19) VCF-style: chr19-54649673-C-CCAGCCA.
Other names: c.740_745dup (NM_014516.4).
Identifiers: ClinVar variation 1687219 (VCV001687219.1), dbSNP rs2146598542, ClinGen allele CA2580614973.